The following is an entry in ClinVar:

NM_194279.3(ISCA2):c.-36C>A

Gene: ISCA2 (iron-sulfur cluster assembly 2; plus strand). Cytogenetic location: 14q24.3.
Variant type: single nucleotide variant.
Coding change: c.-36C>A on transcript NM_194279.3; 36 bases upstream of the start codon, C replaced by A.
Genome position (GRCh38, 1-based): chr14:74,493,739, C>A. VCF-style: chr14-74493739-C-A. GRCh37 (hg19) VCF-style: chr14-74960442-C-A.
Identifiers: ClinVar variation 380555 (VCV000380555.3), dbSNP rs140219639, ClinGen allele CA7268237.

ClinVar aggregate classification (germline): Benign (1 of 4 stars; one submission).

Allele frequency attached by ClinVar (database versions not stated): TOPMed 0.01892; 1000 Genomes Project 0.01917; ExAC 0.00842; 1000 Genomes Project 30x 0.02014; gnomAD 0.01795 and 0.01932; ESP Exome Variant Server 0.01525.

Submission:

GeneDx
Classification: Benign. Last evaluated: 2016-03-04. Review status: criteria provided, single submitter. Criteria: GeneDx Variant Classification (06012015). Collection method: clinical testing. Allele origin: germline. Affected: yes.
Comment: This variant is considered likely benign or benign based on one or more of the following criteria: it is a conservative change, it occurs at a poorly conserved position in the protein, it is predicted to be benign by multiple in silico algorithms, and/or has population frequency not consistent with disease.